The following is an entry in ClinVar:

ClinVar aggregate classification (germline): Pathogenic (1 of 4 stars; one submission).

Conditions:
NKX2-1-Related Disorders. Also called: NKX2-1-related disorder. Identifiers: MedGen CN381057.

Submission:

Rady Children's Institute for Genomic Medicine, Rady Children's Hospital San Diego
Classification: Pathogenic for NKX2-1 related disorders. Review status: criteria provided, single submitter. Criteria: ACMG Guidelines, 2015. Collection method: clinical testing. Allele origin: germline. Affected: yes.
Comment: This frameshift variant is found in the last exon of NKX2-1 and and it is therefore predicted to escape nonsense-mediated mRNA decay (NMD).This variant has not been previously reported or functionally characterized in the literature to our knowledge. However, several frameshift variants located downstream of this variant have been reported as disease-causing variants in the literature (PMID: 23430038, 32195974). This variant is absent from the gnomAD population database and thus is presumed to be rare. Analysis of the parental samples was negative for the variant, indicating this variant likely occurred as a de novo event. Based on the available evidence, the c.989_1016dup (p.Ala341SerfsTer107) variant is classified as Pathogenic.

NM_001079668.3(NKX2-1):c.989_1016dup (p.Ala341fs)

Genes: NKX2-1 (NK2 homeobox 1; minus strand), SFTA3 (surfactant associated 3; minus strand). Cytogenetic location: 14q13.3.
Variant type: Duplication.
Coding change: c.989_1016dup on transcript NM_001079668.3 (MANE Select); coding-DNA positions 989 to 1016, 28 bases duplicated (CGGCAGCGGCCATCTCCGTGGGCAGCGG).
Protein change: p.Ala341fs; shifts the reading frame from alanine 341.
Molecular consequence: frameshift variant.
Genome position (GRCh38, 1-based): chr14:36,517,468-36,517,495, CCGCTGCCCACGGAGATGGCCGCTGCCG duplicated on the plus strand (CGGCAGCGGCCATCTCCGTGGGCAGCGG on the coding strand, the reverse complement: NKX2-1 is on the minus strand); duplicating any 28 consecutive bases within chr14:36,517,468-36,517,499 gives the same sequence; the c. name uses the placement nearest the transcript's 3' end. VCF-style (leftmost placement, unchanged base first): chr14-36517467-A-ACCGCTGCCCACGGAGATGGCCGCTGCCG. GRCh37 (hg19) VCF-style: chr14-36986672-A-ACCGCTGCCCACGGAGATGGCCGCTGCCG.
Other names: c.899_926dup, p.Ala311fs (NM_003317.4); short protein forms A311fs, A341fs.
Identifiers: ClinVar variation 2584530 (VCV002584530.1), dbSNP rs2502626374, ClinGen allele CA2582341750.